The following is an entry in ClinVar:

NM_001164508.2(NEB):c.11836A>G (p.Lys3946Glu)

Gene: NEB (nebulin; minus strand). Cytogenetic location: 2q23.3.
Variant type: single nucleotide variant.
Coding change: c.11836A>G on transcript NM_001164508.2 (MANE Select); coding-DNA position 11836, A replaced by G.
Protein change: p.Lys3946Glu; replaces lysine 3946 with glutamic acid.
Molecular consequence: missense variant.
Genome position (GRCh38, 1-based): chr2:151,610,836, T>C on the plus strand (A>G on the coding strand, the complement: NEB is on the minus strand). VCF-style: chr2-151610836-T-C. GRCh37 (hg19) VCF-style: chr2-152467350-T-C.
Other names: c.11836A>G, p.Lys3946Glu (NM_001164507.2, NM_001271208.2); c.11107A>G, p.Lys3703Glu (NM_004543.5); c.11107A>G (NM_004543.4); short protein forms K3703E, K3946E.
Identifiers: ClinVar variation 2183807 (VCV002183807.2), dbSNP rs2552228157, ClinGen allele CA348779736.

ClinVar aggregate classification (germline): Uncertain significance. Review status: criteria provided, multiple submitters, no conflicts (2 of 4 stars). 2 submissions from 2 submitters: Uncertain significance (2). Last evaluated 2024-12-16.

Conditions:
Inborn genetic diseases. Identifiers: MedGen C0950123, MeSH D030342.
Nemaline myopathy 2 (NEM2). Also called: Nemaline myopathy 2, autosomal recessive. Identifiers: MedGen C1850569, MONDO:0009725, OMIM 256030.

gnomAD v4.1: 1 of 1,601,580 alleles (0.000062%); highest among the groups gnomAD compares: Non-Finnish European, 0.000085%; no homozygotes.

Submissions (2):

Ambry Genetics
Classification: Uncertain significance for Inborn genetic diseases. Last evaluated: 2024-12-16. Review status: criteria provided, single submitter. Criteria: Ambry Variant Classification Scheme 2023. Collection method: clinical testing. Allele origin: germline.

Labcorp Genetics (formerly Invitae), Labcorp
Classification: Uncertain significance for Nemaline myopathy 2. Last evaluated: 2022-01-21. Review status: criteria provided, single submitter. Criteria: Invitae Variant Classification Sherloc (09022015). Collection method: clinical testing. Allele origin: germline.
Comment: This sequence change replaces lysine, which is basic and polar, with glutamic acid, which is acidic and polar, at codon 3946 of the NEB protein (p.Lys3946Glu). This variant is not present in population databases (gnomAD no frequency). This variant has not been reported in the literature in individuals affected with NEB-related conditions. Algorithms developed to predict the effect of missense changes on protein structure and function are either unavailable or do not agree on the potential impact of this missense change (SIFT: "Deleterious"; PolyPhen-2: "Not Available"; Align-GVGD: "Class C0"). In summary, the available evidence is currently insufficient to determine the role of this variant in disease. Therefore, it has been classified as a Variant of Uncertain Significance.